The following is an entry in ClinVar:

ClinVar aggregate classification (germline): Uncertain significance (1 of 4 stars; one submission).

gnomAD v4.1: 9 of 1,551,020 alleles (0.00058%); highest among the groups gnomAD compares: South Asian, 0.0036%; no homozygotes.

Submission:

GeneDx
Classification: Uncertain significance. Last evaluated: 2025-03-26. Review status: criteria provided, single submitter. Criteria: GeneDx Variant Classification Process June 2021. Collection method: clinical testing. Allele origin: germline. Affected: yes.
Comment: Not observed at significant frequency in large population cohorts (gnomAD); In silico analysis indicates that this missense variant does not alter protein structure/function; Has not been previously published as pathogenic or benign to our knowledge

NM_001142966.3(GREB1L):c.2630C>T (p.Thr877Met)

Gene: GREB1L (GREB1 like retinoic acid receptor coactivator; plus strand). Cytogenetic location: 18q11.1.
Variant type: single nucleotide variant.
Coding change: c.2630C>T on transcript NM_001142966.3 (MANE Select); coding-DNA position 2630, C replaced by T.
Protein change: p.Thr877Met; replaces threonine 877 with methionine.
Molecular consequence: missense variant.
Genome position (GRCh38, 1-based): chr18:21,485,693, C>T. VCF-style: chr18-21485693-C-T. GRCh37 (hg19) VCF-style: chr18-19065654-C-T.
Other names: c.2759C>T, p.Thr920Met (NM_001410867.1); c.2303C>T, p.Thr768Met (NM_001410868.1); short protein forms T768M, T877M, T920M.
Identifiers: ClinVar variation 4088025 (VCV004088025.1).